The following is an entry in ClinVar:

NM_000089.4(COL1A2):c.2861T>C (p.Ile954Thr)

Gene: COL1A2 (collagen type I alpha 2 chain; plus strand). Cytogenetic location: 7q21.3.
Variant type: single nucleotide variant.
Coding change: c.2861T>C on transcript NM_000089.4 (MANE Select); coding-DNA position 2861, T replaced by C.
Protein change: p.Ile954Thr; replaces isoleucine 954 with threonine.
Molecular consequence: missense variant.
Genome position (GRCh38, 1-based): chr7:94,425,775, T>C. VCF-style: chr7-94425775-T-C. GRCh37 (hg19) VCF-style: chr7-94055087-T-C.
Other names: p.Ile954Thr; short protein forms I954T.
Identifiers: ClinVar variation 456827 (VCV000456827.22), dbSNP rs538844573, ClinGen allele CA4347585.

ClinVar aggregate classification (germline): Benign/Likely benign. Review status: criteria provided, multiple submitters, no conflicts (2 of 4 stars). 9 submissions from 8 submitters: Benign (4); Likely benign (4). 1 of the submissions does not count toward it. Last evaluated 2025-12-09.

Conditions:
COL1A2-related disorder. Also called: COL1A2-related condition; COL1A2-Related Disorders.
Ehlers-Danlos syndrome, arthrochalasia type, 2. Also called: EHLERS-DANLOS SYNDROME, TYPE VIIB, AUTOSOMAL DOMINANT. Identifiers: MedGen CN293783, MONDO:0040501, OMIM 617821.
Osteogenesis imperfecta type I (OI1). Also called: Lobstein's Disease; Classic Non-deforming Osteogenesis Imperfecta with Blue Sclerae; Osteogenesis imperfecta type 1; OI, TYPE I; OSTEOGENESIS IMPERFECTA TARDA; OSTEOGENESIS IMPERFECTA WITH BLUE SCLERAE. Identifiers: Orphanet 216796, Orphanet 666, MedGen C0023931, MONDO:0008146, OMIM 166200. Disease mechanism: loss of function.
Ehlers-Danlos syndrome, classic type, 1 (EDSCL1). Also called: Ehlers-Danlos syndrome, type 1; Ehlers-Danlos Syndrome, Classic Type, COL5A1-Related; EDS I; EHLERS-DANLOS SYNDROME, GRAVIS TYPE; EHLERS-DANLOS SYNDROME, SEVERE CLASSIC TYPE. Identifiers: MedGen C0268335, MONDO:0019567, OMIM 130000.
Cardiovascular phenotype. Identifiers: MedGen CN230736.
Combined osteogenesis imperfecta and Ehlers-Danlos syndrome 2. Also called: OIEDS SYNDROME 2. Identifiers: MedGen C5436847, MONDO:0030855, OMIM 619120.
Osteoporosis. Identifiers: MedGen C0029456, MONDO:0005298, OMIM 166710, HP:0000939.
Osteogenesis imperfecta, perinatal lethal (OI2). Also called: VROLIK TYPE OF OSTEOGENESIS IMPERFECTA; Osteogenesis imperfecta type 2; Osteogenesis imperfecta, dominant perinatal lethal; OSTEOGENESIS IMPERFECTA, TYPE II; OI, TYPE II; OSTEOGENESIS IMPERFECTA CONGENITA. Identifiers: Orphanet 216804, MedGen C0268358, MONDO:0008147, OMIM 166210.
Ehlers-Danlos syndrome, cardiac valvular type. Identifiers: Orphanet 230851, MedGen C4303789, MONDO:0009159, OMIM 225320.
Osteogenesis imperfecta type III (OI3). Also called: Progressively Deforming Osteogenesis Imperfecta; Osteogenesis imperfecta type 3; OI type 3; Osteogenesis imperfecta, progressively deforming with normal sclerae; OI type III. Identifiers: Orphanet 216812, Orphanet 666, MedGen C0268362, MONDO:0009804, OMIM 259420.
Osteogenesis imperfecta with normal sclerae, dominant form (OI4). Also called: Common Variable Osteogenesis Imperfecta with Normal Sclerae; Osteogenesis Imperfecta Type IV; Osteogenesis imperfecta type 4; OSTEOGENESIS IMPERFECTA, TYPE IV, WITH DENTINOGENESIS IMPERFECTA; OSTEOGENESIS IMPERFECTA WITH NORMAL SCLERAE. Identifiers: Orphanet 216820, Orphanet 666, MedGen C0268363, MONDO:0008148, OMIM 166220.
Osteogenesis imperfecta (OI). Identifiers: Orphanet 666, MedGen C0029434, MeSH D010013, MONDO:0019019.

Allele frequency attached by ClinVar (database versions not stated): gnomAD 0.00001 and 0.00015; TOPMed 0.00006; gnomAD exomes 0.00030 and 0.00056; ExAC 0.00067; 1000 Genomes Project 30x 0.00109; 1000 Genomes Project 0.00120.

Submissions (9):

Labcorp Genetics (formerly Invitae), Labcorp
Classification: Benign for Osteogenesis imperfecta type I; Ehlers-Danlos syndrome, classic type, 1. Last evaluated: 2025-12-09. Review status: criteria provided, single submitter. Criteria: Invitae Variant Classification Sherloc (09022015). Collection method: clinical testing. Allele origin: germline.

Mayo Clinic Laboratories, Mayo Clinic
Classification: Likely benign. Last evaluated: 2025-10-28. Review status: criteria provided, single submitter. Criteria: ACMG Guidelines, 2015. Collection method: clinical testing. Allele origin: germline. Observed: 1 variant allele.
Comment: BS1, BS2_supporting

Blueprint Genetics
Classification: Benign. Last evaluated: 2024-02-28. Review status: criteria provided, single submitter. Criteria: ACMG Guidelines, 2015. Collection method: clinical testing. Allele origin: germline.

Fulgent Genetics
Classification: Likely benign for Osteogenesis imperfecta, perinatal lethal; Osteogenesis imperfecta with normal sclerae, dominant form; Osteoporosis; Ehlers-Danlos syndrome, cardiac valvular type; Osteogenesis imperfecta type III; Ehlers-Danlos syndrome, arthrochalasia type, 2; Combined osteogenesis imperfecta and Ehlers-Danlos syndrome 2. Last evaluated: 2021-11-18. Review status: criteria provided, single submitter. Criteria: ACMG Guidelines, 2015. Collection method: clinical testing. Allele origin: unknown.

GeneDx
Classification: Likely benign. Last evaluated: 2020-11-11. Review status: criteria provided, single submitter. Criteria: GeneDx Variant Classification Process June 2021. Collection method: clinical testing. Allele origin: germline. Affected: yes.

Ambry Genetics
Classification: Likely benign for Cardiovascular phenotype. Last evaluated: 2019-07-15. Review status: criteria provided, single submitter. Criteria: Ambry Variant Classification Scheme 2023. Collection method: clinical testing. Allele origin: germline.

Illumina Laboratory Services, Illumina
Classification: Benign for Ehlers-Danlos syndrome, arthrochalasia type, 2. Last evaluated: 2018-01-13. Review status: criteria provided, single submitter. Criteria: ICSL Variant Classification Criteria 13 December 2019. Collection method: clinical testing. Allele origin: germline.
Comment: This variant was observed in the ICSL laboratory as part of a predisposition screen in an ostensibly healthy population. It had not been previously curated by ICSL or reported in the Human Gene Mutation Database (HGMD: prior to June 1st, 2018), and was therefore a candidate for classification through an automated scoring system. Utilizing variant allele frequency, disease prevalence and penetrance estimates, and inheritance mode, an automated score was calculated to assess if this variant is too frequent to cause the disease. Based on the score and internal cut-off values, a variant classified as benign is not then subjected to further curation. The score for this variant resulted in a classification of benign for this disease.

Illumina Laboratory Services, Illumina
Classification: Benign for Osteogenesis imperfecta. Last evaluated: 2018-01-13. Review status: criteria provided, single submitter. Criteria: ICSL Variant Classification Criteria 13 December 2019. Collection method: clinical testing. Allele origin: germline.
Comment: the same text as in the submission from Illumina Laboratory Services, Illumina above.

PreventionGenetics, part of Exact Sciences
Classification: Likely benign for COL1A2-related condition. Last evaluated: 2023-01-23. Review status: no assertion criteria provided. Collection method: clinical testing. Allele origin: germline. Not counted in ClinVar's aggregate classification.
Comment: This variant is classified as likely benign based on ACMG/AMP sequence variant interpretation guidelines (Richards et al. 2015 PMID: 25741868, with internal and published modifications).

Literature cited by the submitters: PubMed 30821104 (cited by Ambry Genetics).